The following is an entry in ClinVar:

NM_022437.3(ABCG8):c.661G>A (p.Val221Ile)

Gene: ABCG8 (ATP binding cassette subfamily G member 8; plus strand). Cytogenetic location: 2p21.
Variant type: single nucleotide variant.
Coding change: c.661G>A on transcript NM_022437.3 (MANE Select); coding-DNA position 661, G replaced by A.
Protein change: p.Val221Ile; replaces valine 221 with isoleucine.
Molecular consequence: missense variant.
Genome position (GRCh38, 1-based): chr2:43,852,453, G>A. VCF-style: chr2-43852453-G-A. GRCh37 (hg19) VCF-style: chr2-44079592-G-A.
Other names: c.661G>A, p.Val221Ile (NM_001357321.2); short protein forms V221I.
Identifiers: ClinVar variation 1754514 (VCV001754514.2), dbSNP rs1668954689, ClinGen allele CA346666119.

ClinVar aggregate classification (germline): Uncertain significance (1 of 4 stars; one submission).

Conditions:
Cardiovascular phenotype. Identifiers: MedGen CN230736.

Allele frequency attached by ClinVar (database versions not stated): gnomAD exomes below 0.00001.

Submission:

Ambry Genetics
Classification: Uncertain significance for Cardiovascular phenotype. Last evaluated: 2022-05-02. Review status: criteria provided, single submitter. Criteria: Ambry Variant Classification Scheme 2023. Collection method: clinical testing. Allele origin: germline.
Comment: The p.V221I variant (also known as c.661G>A), located in coding exon 5 of the ABCG8 gene, results from a G to A substitution at nucleotide position 661. The valine at codon 221 is replaced by isoleucine, an amino acid with highly similar properties. This amino acid position is conserved. In addition, the in silico prediction for this alteration is inconclusive. Since supporting evidence is limited at this time, the clinical significance of this alteration remains unclear.